The following is an entry in ClinVar:

ClinVar aggregate classification (germline): Pathogenic (1 of 4 stars; one submission).

Submission:

Labcorp Genetics (formerly Invitae), Labcorp
Classification: Pathogenic. Last evaluated: 2023-09-19. Review status: criteria provided, single submitter. Criteria: Invitae Variant Classification Sherloc (09022015). Collection method: clinical testing. Allele origin: unknown.
Comment: This variant is a gross deletion of the genomic region encompassing exon(s) 6 of the SLC38A8 gene. This deletion is out-of-frame, and is expected to create a premature termination codon and result in an absent or disrupted protein product. Loss-of-function variants in SLC38A8 are known to be pathogenic (PMID: 24290379). This variant has not been reported in the literature in individuals affected with SLC38A8-related conditions. For these reasons, this variant has been classified as Pathogenic.

Literature cited by the submitters: PubMed 24290379.

NC_000016.9:g.(?_84056360)_(84056514_?)del

Gene: SLC38A8 (solute carrier family 38 member 8; minus strand). Cytogenetic location: 16q23.3.
Variant type: Deletion.
Identifiers: ClinVar variation 3243591 (VCV003243591.1).